The following is an entry in ClinVar:

NM_004336.5(BUB1):c.1494T>G (p.Asp498Glu)

Gene: BUB1 (BUB1 mitotic checkpoint serine/threonine kinase; minus strand). Cytogenetic location: 2q13.
Variant type: single nucleotide variant.
Coding change: c.1494T>G on transcript NM_004336.5 (MANE Select); coding-DNA position 1494, T replaced by G.
Protein change: p.Asp498Glu; replaces aspartic acid 498 with glutamic acid.
Molecular consequence: missense variant.
Genome position (GRCh38, 1-based): chr2:110,658,432, A>C on the plus strand (T>G on the coding strand, the complement: BUB1 is on the minus strand). VCF-style: chr2-110658432-A-C. GRCh37 (hg19) VCF-style: chr2-111416009-A-C.
Other names: c.1434T>G, p.Asp478Glu (NM_001278616.2); c.1494T>G, p.Asp498Glu (NM_001278617.2); short protein forms D498E, D478E.
Identifiers: ClinVar variation 1773864 (VCV001773864.3), dbSNP rs775571137, ClinGen allele CA348212283.

ClinVar aggregate classification (germline): Uncertain significance (1 of 4 stars; one submission).

Submission:

Ambry Genetics
Classification: Uncertain significance. Last evaluated: 2024-11-01. Review status: criteria provided, single submitter. Criteria: Ambry Variant Classification Scheme 2023. Collection method: clinical testing. Allele origin: germline.
Comment: The p.D498E variant (also known as c.1494T>G), located in coding exon 13 of the BUB1 gene, results from a T to G substitution at nucleotide position 1494. The aspartic acid at codon 498 is replaced by glutamic acid, an amino acid with highly similar properties. This amino acid position is conserved. In addition, this alteration is predicted to be tolerated by in silico analysis. Since supporting evidence is limited at this time, the clinical significance of this alteration remains unclear.